The following is an entry in ClinVar:

NM_201596.3(CACNB2):c.1076A>G (p.Glu359Gly)

Gene: CACNB2 (calcium voltage-gated channel auxiliary subunit beta 2; plus strand). Cytogenetic location: 10p12.31.
Variant type: single nucleotide variant.
Coding change: c.1076A>G on transcript NM_201596.3 (MANE Select); coding-DNA position 1076, A replaced by G.
Protein change: p.Glu359Gly; replaces glutamic acid 359 with glycine.
Molecular consequence: missense variant.
Genome position (GRCh38, 1-based): chr10:18,534,097, A>G. VCF-style: chr10-18534097-A-G. GRCh37 (hg19) VCF-style: chr10-18823026-A-G.
Other names: c.911A>G, p.Glu304Gly (NM_000724.4); c.878A>G, p.Glu293Gly (NM_001167945.2); c.797A>G, p.Glu266Gly (NM_001330060.2); c.932A>G, p.Glu311Gly (NM_201570.3); c.992A>G, p.Glu331Gly (NM_201571.4); c.920A>G, p.Glu307Gly (NM_201572.4); c.914A>G, p.Glu305Gly (NM_201590.3); c.962A>G, p.Glu321Gly (NM_201593.3); and 1 more; short protein forms E359G, E305G, E266G, E293G, E304G, E321G, E331G, E307G.
Identifiers: ClinVar variation 411704 (VCV000411704.12), dbSNP rs148674271, ClinGen allele CA5429906.
Genomic context (GRCh38, chr10:18,534,097, plus strand): 5'-AAATACTGCACTTTAACTGAATTGTTTCGCCCTTTACAGCGGAAGTTCAGAGTGAAATCG[A>G]AAGGATTTTTGAACTTGCAAGAACATTGCAGTTGGTGGTCCTTGACGCGGATACAATTAA-3'
Protein context (NP_963890.2, residues 349-369): SSLAEVQSEI[Glu359Gly]RIFELARTLQ

ClinVar aggregate classification (germline): Conflicting classifications of pathogenicity. Review status: criteria provided, conflicting classifications (1 of 4 stars). 3 submissions from 3 submitters: Uncertain significance (2); Likely benign (1). Last evaluated 2023-05-04.

Conditions:
Cardiovascular phenotype. Identifiers: MedGen CN230736.
Brugada syndrome 4 (BRGDA4). Identifiers: Orphanet 130, MedGen C2678477, MONDO:0012743, OMIM 611876.

Allele frequency attached by ClinVar (database versions not stated): gnomAD exomes below 0.00001 and 0.00002; ExAC 0.00003; TOPMed 0.00005; gnomAD 0.00006 and 0.00007; ESP Exome Variant Server 0.00008; 1000 Genomes Project 30x 0.00031; 1000 Genomes Project 0.00040.
gnomAD v4.1: 17 of 1,614,098 alleles (0.0011%); highest among the groups gnomAD compares: African/African-American, 0.017%; no homozygotes.

Submissions (3):

Ambry Genetics
Classification: Likely benign for Cardiovascular phenotype. Last evaluated: 2023-05-04. Review status: criteria provided, single submitter. Criteria: Ambry Variant Classification Scheme 2023. Collection method: clinical testing. Allele origin: germline.

Fulgent Genetics
Classification: Uncertain significance for Brugada syndrome 4. Last evaluated: 2021-11-21. Review status: criteria provided, single submitter. Criteria: ACMG Guidelines, 2015. Collection method: clinical testing. Allele origin: unknown.

Labcorp Genetics (formerly Invitae), Labcorp
Classification: Uncertain significance for Brugada syndrome 4. Last evaluated: 2016-04-23. Review status: criteria provided, single submitter. Criteria: Invitae Variant Classification Sherloc (09022015). Collection method: clinical testing. Allele origin: germline.
Comment: This variant is present in population databases (rs148674271, ExAC 0.04%) but has not been reported in the literature in individuals with a CACNB2-related disease. This sequence change replaces glutamic acid with glycine at codon 305 of the CACNB2 protein (p.Glu305Gly). The glutamic acid residue is highly conserved and there is a moderate physicochemical difference between glutamic acid and glycine. Algorithms developed to predict the effect of missense changes on protein structure and function (SIFT, PolyPhen-2, Align-GVGD) all suggest that this variant is likely to be disruptive, but these predictions have not been confirmed by published functional studies. In summary, this variant is a rare missense change with uncertain impact on protein function. There is no indication that it causes disease, but the available evidence is currently insufficient to prove that conclusively. Therefore, it has been classified as a Variant of Uncertain Significance.